The following is an entry in ClinVar:

NM_080425.4(GNAS):c.1074A>G (p.Ala358=)

Gene: GNAS (GNAS complex locus; plus strand). Cytogenetic location: 20q13.32.
Variant type: single nucleotide variant.
Coding change: c.1074A>G on transcript NM_080425.4 (MANE Plus Clinical); coding-DNA position 1074, A replaced by G.
Protein change: p.Ala358=; no amino-acid change (alanine 358 retained).
Molecular consequence: synonymous variant. On other transcripts: missense variant (2), intron variant (3).
Genome position (GRCh38, 1-based): chr20:58,854,339, A>G. VCF-style: chr20-58854339-A-G. GRCh37 (hg19) VCF-style: chr20-57429394-A-G.
Other names: c.887A>G, p.Gln296Arg (NM_001077490.3, NM_001309883.1); c.1074A>G, p.Ala358= (NM_001410913.1); c.*42+13453A>G (NM_016592.5); c.43+13453A>G (NM_001410912.1); c.-39+12464A>G (NM_001309861.2); short protein forms Q296R.
Identifiers: ClinVar variation 3364672 (VCV003364672.1).

ClinVar aggregate classification (germline): Uncertain significance (1 of 4 stars; one submission).

Submission:

GeneDx
Classification: Uncertain significance. Last evaluated: 2023-12-11. Review status: criteria provided, single submitter. Criteria: GeneDx Variant Classification Process June 2021. Collection method: clinical testing. Allele origin: germline. Affected: yes.
Comment: Reported using an alternate transcript of the gene; Not observed at significant frequency in large population cohorts (gnomAD); In silico analysis supports that this missense variant does not alter protein structure/function; Has not been previously published as pathogenic or benign to our knowledge